The following is an entry in ClinVar:

ClinVar aggregate classification (germline): Uncertain significance. Review status: criteria provided, multiple submitters, no conflicts (2 of 4 stars). 8 submissions from 3 submitters: Uncertain significance (8). Last evaluated 2024-12-04.

Conditions:
Choroidal dystrophy, central areolar 2 (CACD2). Also called: MACULAR DYSTROPHY, PROGRESSIVE; Choriodal Dystrophy, Central Areolar 2. Identifiers: Orphanet 75377, MedGen C2751290, MONDO:0013137, OMIM 613105.
PRPH2-related disorder. Also called: PRPH2-related condition; PRPH2-related disorders. Identifiers: MedGen CN239395.
Pigmentary retinal dystrophy. Also called: Fundus albipunctatus. Identifiers: Orphanet 227796, Orphanet 52427, MedGen C0311338, MONDO:0007639, OMIM 136880, HP:0030642.
Adult-onset foveomacular vitelliform dystrophy. Also called: Adult onset vitelliform dystrophy; FOVEOMACULAR DYSTROPHY, ADULT-ONSET, WITH OR WITHOUT CHOROIDAL NEOVASCULARIZATION; FOVEOMACULAR DYSTROPHY, ADULT-ONSET. Identifiers: Orphanet 99000, MedGen C1842914, MONDO:0011979.
Inborn genetic diseases. Identifiers: MedGen C0950123, MeSH D030342.
Retinitis pigmentosa (RP). Identifiers: Orphanet 791, MedGen C0035334, MeSH D012174, MONDO:0019200, OMIM 268000. Inheritance: Autosomal dominant, autosomal recessive and X linked inheritance.
Patterned macular dystrophy 1. Also called: MACULAR DYSTROPHY, BUTTERFLY-SHAPED PIGMENTARY; BUTTERFLY DYSTROPHY OF RETINAL PIGMENT EPITHELIUM. Identifiers: Orphanet 99001, MedGen C4551999, MONDO:0008210, OMIM 169150.
Cone-rod dystrophy. Also called: Cone/cone-rod dystrophy; Cone-rod degeneration. Identifiers: Orphanet 1872, MedGen C4085590, MONDO:0015993, HP:0000548.

Allele frequency attached by ClinVar (database versions not stated): gnomAD exomes below 0.00001; TOPMed below 0.00001; gnomAD 0.00001.
gnomAD v4.1: 2 of 1,614,054 alleles (0.00012%); highest among the groups gnomAD compares: Non-Finnish European, 0.00017%; no homozygotes.

Submissions (8):

PreventionGenetics, part of Exact Sciences
Classification: Uncertain significance for PRPH2-related condition. Last evaluated: 2024-12-04. Review status: criteria provided, single submitter. Criteria: ACMG Guidelines, 2015. Collection method: clinical testing. Allele origin: germline.
Comment: The PRPH2 c.167A>G variant is predicted to result in the amino acid substitution p.Glu56Gly. To our knowledge, this variant has not been reported in the literature. This variant is reported in 0.00088% of alleles in individuals of European (Non-Finnish) descent in gnomAD. At this time, the clinical significance of this variant is uncertain due to the absence of conclusive functional and genetic evidence.

Ambry Genetics
Classification: Uncertain significance for Inborn genetic diseases. Last evaluated: 2024-07-31. Review status: criteria provided, single submitter. Criteria: Ambry Variant Classification Scheme 2023. Collection method: clinical testing. Allele origin: germline.

Illumina Laboratory Services, Illumina
Classification: Uncertain significance for Cone-rod dystrophy. Last evaluated: 2018-01-13. Review status: criteria provided, single submitter. Criteria: ICSL Variant Classification Criteria 13 December 2019. Collection method: clinical testing. Allele origin: germline.

Illumina Laboratory Services, Illumina
Classification: Uncertain significance for Patterned macular dystrophy 1. Last evaluated: 2018-01-13. Review status: criteria provided, single submitter. Criteria: ICSL Variant Classification Criteria 13 December 2019. Collection method: clinical testing. Allele origin: germline.

Illumina Laboratory Services, Illumina
Classification: Uncertain significance for Pigmentary retinal dystrophy. Last evaluated: 2018-01-13. Review status: criteria provided, single submitter. Criteria: ICSL Variant Classification Criteria 13 December 2019. Collection method: clinical testing. Allele origin: germline.

Illumina Laboratory Services, Illumina
Classification: Uncertain significance for Choroidal dystrophy, central areolar 2. Last evaluated: 2018-01-13. Review status: criteria provided, single submitter. Criteria: ICSL Variant Classification Criteria 13 December 2019. Collection method: clinical testing. Allele origin: germline.

Illumina Laboratory Services, Illumina
Classification: Uncertain significance for Retinitis pigmentosa. Last evaluated: 2018-01-13. Review status: criteria provided, single submitter. Criteria: ICSL Variant Classification Criteria 13 December 2019. Collection method: clinical testing. Allele origin: germline.

Illumina Laboratory Services, Illumina
Classification: Uncertain significance for Vitelliform macular dystrophy 3. Last evaluated: 2018-01-13. Review status: criteria provided, single submitter. Criteria: ICSL Variant Classification Criteria 13 December 2019. Collection method: clinical testing. Allele origin: germline.

NM_000322.5(PRPH2):c.167A>G (p.Glu56Gly)

Gene: PRPH2 (peripherin 2; minus strand). Cytogenetic location: 6p21.1.
Variant type: single nucleotide variant.
Coding change: c.167A>G on transcript NM_000322.5 (MANE Select); coding-DNA position 167, A replaced by G.
Protein change: p.Glu56Gly; replaces glutamic acid 56 with glycine.
Molecular consequence: missense variant.
Genome position (GRCh38, 1-based): chr6:42,722,168, T>C on the plus strand (A>G on the coding strand, the complement: PRPH2 is on the minus strand). VCF-style: chr6-42722168-T-C. GRCh37 (hg19) VCF-style: chr6-42689906-T-C.
Other names: short protein forms E56G.
Identifiers: ClinVar variation 908107 (VCV000908107.6), dbSNP rs1351857575, ClinGen allele CA364138588.
Genomic context (GRCh38, chr6:42,722,168, plus strand): 5'-GAGTTGAAGACACAGGATAGCACCCCCATCCCTATCAATGAGTTGGGCACAAAATGGCTC[T>C]CAGAATTATTCATCACATCGCTCCTCTTTCGGAGTTCAATCTTCAGGAACAGTCCTAGGC-3'
Protein context (NP_000313.2, residues 46-66): RKRSDVMNNS[Glu56Gly]SHFVPNSLIG